The following is an entry in ClinVar:

NM_015178.3(RHOBTB2):c.1685T>C (p.Met562Thr)

Gene: RHOBTB2 (Rho related BTB domain containing 2; plus strand). Cytogenetic location: 8p21.3.
Variant type: single nucleotide variant.
Coding change: c.1685T>C on transcript NM_015178.3 (MANE Select); coding-DNA position 1685, T replaced by C.
Protein change: p.Met562Thr; replaces methionine 562 with threonine.
Molecular consequence: missense variant.
Genome position (GRCh38, 1-based): chr8:23,010,602, T>C. VCF-style: chr8-23010602-T-C. GRCh37 (hg19) VCF-style: chr8-22868115-T-C.
Other names: c.1751T>C, p.Met584Thr (NM_001160036.2); c.1706T>C, p.Met569Thr (NM_001160037.2); c.1685T>C, p.Met562Thr (NM_001374791.1); short protein forms M562T, M569T, M584T.
Identifiers: ClinVar variation 2091729 (VCV002091729.4), dbSNP rs550302140, ClinGen allele CA4672737.
Genomic context (GRCh38, chr8:23,010,602, plus strand): 5'-TGTTTCCCTACACAAGCAAGAGCTGCATGCGGGCCGTGCTGGAATACCTCTACACCGGCA[T>C]GTTCACCTCCAGCCCCGACCTGGATGACATGAAGCTCATCATTCTAGCCAACCGCCTCTG-3'
Protein context (NP_055993.2, residues 552-572): RAVLEYLYTG[Met562Thr]FTSSPDLDDM

ClinVar aggregate classification (germline): Uncertain significance (1 of 4 stars; one submission).

Allele frequency attached by ClinVar (database versions not stated): 1000 Genomes Project 30x 0.00016; 1000 Genomes Project 0.00020.
gnomAD v4.1: 2 of 1,614,202 alleles (0.00012%); highest among the groups gnomAD compares: Admixed American, 0.0017%; no homozygotes.

Submission:

Labcorp Genetics (formerly Invitae), Labcorp
Classification: Uncertain significance. Last evaluated: 2022-10-17. Review status: criteria provided, single submitter. Criteria: Invitae Variant Classification Sherloc (09022015). Collection method: clinical testing. Allele origin: germline.
Comment: In summary, the available evidence is currently insufficient to determine the role of this variant in disease. Therefore, it has been classified as a Variant of Uncertain Significance. Advanced modeling of protein sequence and biophysical properties (such as structural, functional, and spatial information, amino acid conservation, physicochemical variation, residue mobility, and thermodynamic stability) performed at Invitae indicates that this missense variant is not expected to disrupt RHOBTB2 protein function. This variant has not been reported in the literature in individuals affected with RHOBTB2-related conditions. The frequency data for this variant in the population databases is considered unreliable, as metrics indicate poor data quality at this position in the gnomAD database. This sequence change replaces methionine, which is neutral and non-polar, with threonine, which is neutral and polar, at codon 584 of the RHOBTB2 protein (p.Met584Thr).